The following is an entry in ClinVar:

NM_198525.3(KIF7):c.3481G>A (p.Glu1161Lys)

Genes: KIF7 (kinesin family member 7; minus strand), LOC126862216 (BRD4-independent group 4 enhancer GRCh37_chr15:90171995-90173194; plus strand). Cytogenetic location: 15q26.1.
Variant type: single nucleotide variant.
Coding change: c.3481G>A on transcript NM_198525.3 (MANE Select); coding-DNA position 3481, G replaced by A.
Protein change: p.Glu1161Lys; replaces glutamic acid 1161 with lysine.
Molecular consequence: missense variant.
Genome position (GRCh38, 1-based): chr15:89,629,411, C>T on the plus strand (G>A on the coding strand, the complement: KIF7 is on the minus strand). VCF-style: chr15-89629411-C-T. GRCh37 (hg19) VCF-style: chr15-90172642-C-T.
Other names: short protein forms E1161K.
Identifiers: ClinVar variation 445424 (VCV000445424.9), dbSNP rs567337105, ClinGen allele CA7727691.

ClinVar aggregate classification (germline): Uncertain significance. Review status: criteria provided, multiple submitters, no conflicts (2 of 4 stars). 2 submissions from 2 submitters: Uncertain significance (2). Last evaluated 2022-07-19.

Conditions:
Acrocallosal syndrome (ACLS). Also called: Schinzel syndrome 1; Absence of corpus callosum with unusual facial appearance, mental deficiency, duplication of the halluces and polydactyly; HALLUX DUPLICATION, POSTAXIAL POLYDACTYLY, AND ABSENCE OF CORPUS CALLOSUM. Identifiers: Orphanet 36, MedGen C0796147, MONDO:0008708, OMIM 200990.

Allele frequency attached by ClinVar (database versions not stated): gnomAD 0.00001 and 0.00003; TOPMed 0.00001; ExAC 0.00002; gnomAD exomes 0.00002; 1000 Genomes Project 30x 0.00031; 1000 Genomes Project 0.00040.
gnomAD v4.1: 19 of 1,605,858 alleles (0.0012%); highest among the groups gnomAD compares: Admixed American, 0.0067%; no homozygotes.

Submissions (2):

Labcorp Genetics (formerly Invitae), Labcorp
Classification: Uncertain significance for Acrocallosal syndrome. Last evaluated: 2022-07-19. Review status: criteria provided, single submitter. Criteria: Invitae Variant Classification Sherloc (09022015). Collection method: clinical testing. Allele origin: germline.
Comment: In summary, the available evidence is currently insufficient to determine the role of this variant in disease. Therefore, it has been classified as a Variant of Uncertain Significance. Algorithms developed to predict the effect of missense changes on protein structure and function (SIFT, PolyPhen-2, Align-GVGD) all suggest that this variant is likely to be disruptive. ClinVar contains an entry for this variant (Variation ID: 445424). This variant has not been reported in the literature in individuals affected with KIF7-related conditions. This variant is present in population databases (rs567337105, gnomAD 0.009%). This sequence change replaces glutamic acid, which is acidic and polar, with lysine, which is basic and polar, at codon 1161 of the KIF7 protein (p.Glu1161Lys).

Center for Pediatric Genomic Medicine, Children's Mercy Hospital and Clinics
Classification: Uncertain significance. Last evaluated: 2017-05-19. Review status: criteria provided, single submitter. Criteria: ACMG Guidelines, 2015. Collection method: clinical testing. Allele origin: germline.